The following is an entry in ClinVar:

ClinVar aggregate classification (germline): Uncertain significance (1 of 4 stars; one submission).

Conditions:
Tatton-Brown-Rahman overgrowth syndrome. Also called: Tall stature-intellectual disability-facial dysmorphism syndrome; Tatton-Brown-Rahman syndrome. Identifiers: Orphanet 404443, MedGen C4014545, MONDO:0014382, OMIM 615879.

Submission:

Labcorp Genetics (formerly Invitae), Labcorp
Classification: Uncertain significance for Tatton-Brown-Rahman overgrowth syndrome. Last evaluated: 2024-05-09. Review status: criteria provided, single submitter. Criteria: Invitae Variant Classification Sherloc (09022015). Collection method: clinical testing. Allele origin: germline.
Comment: This sequence change falls in intron 2 of the DNMT3A gene. It does not directly change the encoded amino acid sequence of the DNMT3A protein. It affects a nucleotide within the consensus splice site. This variant is not present in population databases (gnomAD no frequency). This variant has not been reported in the literature in individuals affected with DNMT3A-related conditions. Variants that disrupt the consensus splice site are a relatively common cause of aberrant splicing (PMID: 17576681, 9536098). Algorithms developed to predict the effect of sequence changes on RNA splicing suggest that this variant is not likely to affect RNA splicing. In summary, the available evidence is currently insufficient to determine the role of this variant in disease. Therefore, it has been classified as a Variant of Uncertain Significance.

Literature cited by the submitters: PubMed 17576681; PubMed 9536098.

NM_022552.5(DNMT3A):c.72+4A>G

Gene: DNMT3A (DNA methyltransferase 3 alpha; minus strand). Cytogenetic location: 2p23.3.
Variant type: single nucleotide variant.
Coding change: c.72+4A>G on transcript NM_022552.5 (MANE Select); 4 bases into the intron after coding-DNA position 72, A replaced by G.
Molecular consequence: intron variant.
Genome position (GRCh38, 1-based): chr2:25,313,909, T>C on the plus strand (A>G on the coding strand, the complement: DNMT3A is on the minus strand). VCF-style: chr2-25313909-T-C. GRCh37 (hg19) VCF-style: chr2-25536778-T-C.
Other names: c.72+4A>G (NM_175629.2, NM_175630.1, NM_001320892.2).
Identifiers: ClinVar variation 3652127 (VCV003652127.2).
Genomic context (GRCh38, chr2:25,313,909, plus strand): 5'-TCACATAGGGACAGGGCTCTCCCTCTCCCAGGCCAGAGGGTCCCCAGCAGAGCCCGCTGC[T>C]CACCTTTCGGTCCTCCTCCCGCTCCGCAGCAGAGCTGCTGGTGTCCCCGGGGCCGCTGGA-3'